The following is an entry in ClinVar:

NM_001267550.2(TTN):c.49649-2A>T

Genes: TTN (titin; minus strand), TTN-AS1 (TTN antisense RNA 1; plus strand). Cytogenetic location: 2q31.2.
Variant type: single nucleotide variant.
Coding change: c.49649-2A>T on transcript NM_001267550.2 (MANE Select); the canonical splice acceptor site of the intron before coding-DNA position 49649, A replaced by T.
Molecular consequence: splice acceptor variant.
Genome position (GRCh38, 1-based): chr2:178,613,074, T>A on the plus strand (A>T on the coding strand, the complement: TTN is on the minus strand). VCF-style: chr2-178613074-T-A. GRCh37 (hg19) VCF-style: chr2-179477801-T-A.
Other names: c.22454-2A>T (NM_003319.4); c.23030-2A>T (NM_133437.4); c.22829-2A>T (NM_133432.3); c.41945-2A>T (NM_133378.4); c.44726-2A>T (NM_001256850.1).
Identifiers: ClinVar variation 1346678 (VCV001346678.6), dbSNP rs2154200803, ClinGen allele CA349601647.

ClinVar aggregate classification (germline): Likely pathogenic (1 of 4 stars; one submission).

Conditions:
Dilated cardiomyopathy 1G (CMD1G). Identifiers: Orphanet 154, MedGen C1858763, MONDO:0011400, OMIM 604145.
Autosomal recessive limb-girdle muscular dystrophy type 2J (LGMDR10). Also called: Limb-girdle muscular dystrophy, type 2J; MUSCULAR DYSTROPHY, LIMB-GIRDLE, AUTOSOMAL RECESSIVE 10. Identifiers: Orphanet 140922, MedGen C1837342, MONDO:0012127, OMIM 608807.

Submission:

Labcorp Genetics (formerly Invitae), Labcorp
Classification: Likely pathogenic for Dilated cardiomyopathy 1G; Autosomal recessive limb-girdle muscular dystrophy type 2J. Last evaluated: 2021-10-28. Review status: criteria provided, single submitter. Criteria: Invitae Variant Classification Sherloc (09022015). Collection method: clinical testing. Allele origin: germline.
Comment: This variant is located in the A band of TTN (PMID: 25589632). Truncating variants in this region are significantly overrepresented in patients affected with dilated cardiomyopathy (PMID: 25589632). Truncating variants in this region have also been reported in individuals affected with autosomal recessive centronuclear myopathy (PMID: 23975875). In summary, the currently available evidence indicates that the variant is pathogenic, but additional data are needed to prove that conclusively. Therefore, this variant has been classified as Likely Pathogenic. Algorithms developed to predict the effect of sequence changes on RNA splicing suggest that this variant may disrupt the consensus splice site. This variant has not been reported in the literature in individuals affected with TTN-related conditions. This variant is not present in population databases (gnomAD no frequency). This sequence change affects an acceptor splice site in intron 264 of the TTN gene. It is expected to disrupt RNA splicing and likely results in a truncated or disrupted TTN protein.

Literature cited by the submitters: PubMed 25589632; PubMed 23975875.